The following is an entry in ClinVar:

NM_003073.5(SMARCB1):c.795+184A>T

Gene: SMARCB1 (SWI/SNF related BAF chromatin remodeling complex subunit B1; plus strand). Cytogenetic location: 22q11.23.
Variant type: single nucleotide variant.
Coding change: c.795+184A>T on transcript NM_003073.5 (MANE Select); 184 bases into the intron after coding-DNA position 795, A replaced by T.
Molecular consequence: intron variant.
Genome position (GRCh38, 1-based): chr22:23,817,120, A>T. VCF-style: chr22-23817120-A-T. GRCh37 (hg19) VCF-style: chr22-24159307-A-T.
Other names: c.849+184A>T (NM_001362877.2); c.822+184A>T (NM_001317946.2); c.768+184A>T (NM_001007468.3).
Identifiers: ClinVar variation 677102 (VCV000677102.1), dbSNP rs2070458, ClinGen allele CA14973826.

ClinVar aggregate classification (germline): Benign (1 of 4 stars; one submission).

Allele frequency attached by ClinVar (database versions not stated): 1000 Genomes Project 30x 0.59884; 1000 Genomes Project 0.60184; TOPMed 0.67876; gnomAD 0.69553; gnomAD exomes 0.74655.
gnomAD v4.1: 457,817 of 625,248 alleles (73%); highest among the groups gnomAD compares: Non-Finnish European, 80%; 172,129 homozygotes.

Submission:

GeneDx
Classification: Benign. Last evaluated: 2018-06-15. Review status: criteria provided, single submitter. Criteria: GeneDx Variant Classification (06012015). Collection method: clinical testing. Allele origin: germline. Affected: yes.
Comment: This variant is considered likely benign or benign based on one or more of the following criteria: it is a conservative change, it occurs at a poorly conserved position in the protein, it is predicted to be benign by multiple in silico algorithms, and/or has population frequency not consistent with disease.